The following is an entry in ClinVar:

ClinVar aggregate classification (germline): Uncertain significance (1 of 4 stars; one submission).

Conditions:
Ehlers-Danlos syndrome, classic type, 1 (EDSCL1). Also called: EHLERS-DANLOS SYNDROME, GRAVIS TYPE; EHLERS-DANLOS SYNDROME, SEVERE CLASSIC TYPE; Ehlers-Danlos syndrome, type 1; EDS I; Ehlers-Danlos Syndrome, Classic Type, COL5A1-Related. Identifiers: MedGen C0268335, MONDO:0019567, OMIM 130000.

Submission:

Labcorp Genetics (formerly Invitae), Labcorp
Classification: Uncertain significance for Ehlers-Danlos syndrome, classic type, 1. Last evaluated: 2022-03-20. Review status: criteria provided, single submitter. Criteria: Invitae Variant Classification Sherloc (09022015). Collection method: clinical testing. Allele origin: germline.
Comment: In summary, the available evidence is currently insufficient to determine the role of this variant in disease. Therefore, it has been classified as a Variant of Uncertain Significance. Advanced modeling of protein sequence and biophysical properties (such as structural, functional, and spatial information, amino acid conservation, physicochemical variation, residue mobility, and thermodynamic stability) performed at Invitae indicates that this missense variant is expected to disrupt COL5A2 protein function. This variant has not been reported in the literature in individuals affected with COL5A2-related conditions. This variant is not present in population databases (gnomAD no frequency). This sequence change replaces glycine, which is neutral and non-polar, with aspartic acid, which is acidic and polar, at codon 528 of the COL5A2 protein (p.Gly528Asp).

NM_000393.5(COL5A2):c.1583G>A (p.Gly528Asp)

Gene: COL5A2 (collagen type V alpha 2 chain; minus strand). Cytogenetic location: 2q32.2.
Variant type: single nucleotide variant.
Coding change: c.1583G>A on transcript NM_000393.5 (MANE Select); coding-DNA position 1583, G replaced by A.
Protein change: p.Gly528Asp; replaces glycine 528 with aspartic acid.
Molecular consequence: missense variant.
Genome position (GRCh38, 1-based): chr2:189,065,038, C>T on the plus strand (G>A on the coding strand, the complement: COL5A2 is on the minus strand). VCF-style: chr2-189065038-C-T. GRCh37 (hg19) VCF-style: chr2-189929764-C-T.
Other names: short protein forms G528D.
Identifiers: ClinVar variation 1351099 (VCV001351099.6), dbSNP rs2105595796, ClinGen allele CA349850945.
Genomic context (GRCh38, chr2:189,065,038, plus strand): 5'-TATCAACATTGACAGGGCAACCTCACCTTTGGCCCAGGTAAACCATCAGAGCCTGGAAAA[C>T]CACGATTGCCAGGAGCACCCTACAAATGACCAAAATGTGATTCTTAATTGTTGTTGATAT-3'
Protein context (NP_000384.2, residues 518-538): VGERGAPGNR[Gly528Asp]FPGSDGLPGP